The following is an entry in ClinVar:

ClinVar aggregate classification (germline): Conflicting classifications of pathogenicity. Review status: criteria provided, conflicting classifications (1 of 4 stars). 6 submissions from 6 submitters: Uncertain significance (4); Likely benign (1). 1 of the submissions does not count toward it. Last evaluated 2024-09-09.

Conditions:
VWF-related disorder. Also called: VWF-related disorders; VWF-related condition.

Allele frequency attached by ClinVar (database versions not stated): gnomAD exomes 0.00029; gnomAD 0.00032; TOPMed 0.00059; 1000 Genomes Project 0.00080; 1000 Genomes Project 30x 0.00141.
gnomAD v4.1: 464 of 1,614,178 alleles (0.029%); highest among the groups gnomAD compares: Admixed American, 0.48%; no homozygotes.

Submissions (6):

Women's Health and Genetics/Laboratory Corporation of America, LabCorp
Classification: Likely benign. Last evaluated: 2024-09-09. Review status: criteria provided, single submitter. Criteria: LabCorp Variant Classification Summary - May 2015. Collection method: clinical testing. Allele origin: germline.
Comment: Variant summary: VWF c.6937C>T (p.Arg2313Cys) results in a non-conservative amino acid change located in the VWFC domain (IPR001007) of the encoded protein sequence. Four of five in-silico tools predict a damaging effect of the variant on protein function. The variant allele was found at a frequency of 0.00098 in 251482 control chromosomes, predominantly at a frequency of 0.0066 within the Latino subpopulation in the gnomAD database. The observed variant frequency within Latino control individuals in the gnomAD database exceeds the estimated maximal expected allele frequency for a pathogenic variant in VWF causing Von Willebrand Disease phenotype. c.6937C>T has been reported in the literature in at least one individual affected with Von Willebrand Disease (Boylan_2015). These report(s) do not provide unequivocal conclusions about association of the variant with Von Willebrand Disease. To our knowledge, no experimental evidence demonstrating an impact on protein function has been reported. The following publication have been ascertained in the context of this evaluation (PMID: 25780857). ClinVar contains an entry for this variant (Variation ID: 993252). Based on the evidence outlined above, the variant was classified as likely benign.

Quest Diagnostics Nichols Institute San Juan Capistrano
Classification: Uncertain significance. Last evaluated: 2024-06-27. Review status: criteria provided, single submitter. Criteria: Quest Diagnostics criteria. Collection method: clinical testing. Allele origin: unknown.
Comment: The VWF c.6937C>T (p.Arg2313Cys) variant has been reported in the published literature in an individual with bleeding phenotype who exhibited low plasma VWF antigen (VWF:Ag) and Factor VIII (FVIII) binding capacities (PMID: 25780857 (2015)). The frequency of this variant in the general population, 0.003 (75/24960 chromosomes (Genome Aggregation Database)), is uninformative in the assessment of its pathogenicity. ClinVar contains an entry for this variant (URL:, Variation ID: 993252). Analysis of this variant using bioinformatics tools (e.g. Mutation Taster and PolyPhen-2) for the prediction of the effect of amino acid changes on protein structure and function yielded predictions that this variant is benign. Please note that these prediction tools are not fully validated and should be viewed with caution. Taking into account the available information, we are unable to determine the clinical significance of this variant. Testing affected family members could help clarify the clinical significance of this variant. Genetic counseling is recommended.

Mayo Clinic Laboratories, Mayo Clinic
Classification: Uncertain significance. Last evaluated: 2024-01-23. Review status: criteria provided, single submitter. Criteria: ACMG Guidelines, 2015. Collection method: clinical testing. Allele origin: germline. Observed: 2 variant alleles.
Comment: PM1

ARUP Laboratories, Molecular Genetics and Genomics, ARUP Laboratories
Classification: Uncertain significance. Last evaluated: 2022-05-27. Review status: criteria provided, single submitter. Criteria: ARUP Molecular Germline Variant Investigation Process 2021. Collection method: clinical testing. Allele origin: germline.
Comment: The VWF c.6937C>T; p.Arg2313Cys variant (rs184921605) is reported in the literature in an individual with low von Willebrand factor (Boylan 2015). This variant is also reported in ClinVar (Variation ID: 993252). This variant is found in the Latino population with an allele frequency of 0.6 % (234/ 35,440 alleles, including 0 homozygotes) in the Genome Aggregation Database. The arginine at codon 2313 is moderately conserved, and computational analyses are uncertain whether this variant is neutral or deleterious (REVEL: 0.29). Due to limited information, the clinical significance of the p.Arg2313Cys variant is uncertain at this time.

Genetic Services Laboratory, University of Chicago
Classification: Uncertain significance. Last evaluated: 2018-04-05. Review status: criteria provided, single submitter. Criteria: ACMG Guidelines, 2015. Collection method: clinical testing. Allele origin: germline. Affected: no.

PreventionGenetics, part of Exact Sciences
Classification: Uncertain significance for VWF-related condition. Last evaluated: 2024-01-11. Review status: no assertion criteria provided. Collection method: clinical testing. Allele origin: germline. Not counted in ClinVar's aggregate classification.
Comment: The VWF c.6937C>T variant is predicted to result in the amino acid substitution p.Arg2313Cys. This variant has been reported in an individual with Von Willebrand disease (Boylan et al. 2015. PubMed ID: 25780857). This variant is reported in 0.66% of alleles in individuals of Latino descent in gnomAD. Although we suspect that this variant may be benign, at this time, the clinical significance of this variant is uncertain due to the absence of conclusive functional and genetic evidence.

Literature cited by the submitters: PubMed 25780857 (cited by 3 submitters); PubMed 23216583 (cited by Quest Diagnostics Nichols Institute San Juan Capistrano).

NM_000552.5(VWF):c.6937C>T (p.Arg2313Cys)

Gene: VWF (von Willebrand factor; minus strand). Cytogenetic location: 12p13.31.
Variant type: single nucleotide variant.
Coding change: c.6937C>T on transcript NM_000552.5 (MANE Select); coding-DNA position 6937, C replaced by T.
Protein change: p.Arg2313Cys; replaces arginine 2313 with cysteine.
Molecular consequence: missense variant.
Genome position (GRCh38, 1-based): chr12:5,985,084, G>A on the plus strand (C>T on the coding strand, the complement: VWF is on the minus strand). VCF-style: chr12-5985084-G-A. GRCh37 (hg19) VCF-style: chr12-6094250-G-A.
Other names: p.Arg2313Cys; short protein forms R2313C.
Identifiers: ClinVar variation 993252 (VCV000993252.15), dbSNP rs184921605, ClinGen allele CA090911.
Genomic context (GRCh38, chr12:5,985,084, plus strand): 5'-TCCCCCTGGTGGGACACATACCACACTCATACTCGGGGCAGCACTGGTCTGCATTCTGGC[G>A]GAGGCGGGCTACTTCACACAGGCCACACGTGGGAGCTAGAGGAGAGGAACGGCCACAAAA-3'
Protein context (NP_000543.3, residues 2303-2323): TCGLCEVARL[Arg2313Cys]QNADQCCPEY